The following is an entry in ClinVar:

ClinVar aggregate classification (germline): Likely pathogenic (1 of 4 stars; one submission).

Conditions:
SCN1A Seizure Disorders. Identifiers: MedGen CN381098.

Submission:

Illumina Laboratory Services, Illumina
Classification: Likely pathogenic for SCN1A seizure disorders. Last evaluated: 2023-09-04. Review status: criteria provided, single submitter. Criteria: ICSLVariantClassificationCriteria RUGD 01 April 2020. Collection method: clinical testing. Allele origin: unknown.
Comment: The SCN1A c.4268T>G (p.Leu1423Arg) missense variant has not, to our knowledge, been reported in the peer-reviewed literature. However, two different variants at the same amino acid position, p.Leu1423Phe and p.Leu1423Val, have been identified in patients with SCN1A seizure disorders (PMID: 21248271; 31440721; 32090326). The p.Leu1423Arg variant is not observed in version 2.1.1 or version 3.1.2 of the Genome Aggregation Database. The variant is located in the pore-forming S5-S6 region of the Nav1.1 channel and computational evidence suggests the variant may impact the gene or gene product. This variant was identified in a de novo state. Based on the available evidence, the c.4268T>G (p.Leu1423Arg) variant is classified as likely pathogenic for SCN1A seizure disorders.

NM_001165963.4(SCN1A):c.4268T>G (p.Leu1423Arg)

Genes: SCN1A (sodium voltage-gated channel alpha subunit 1; minus strand), LOC102724058 (uncharacterized LOC102724058; plus strand). Cytogenetic location: 2q24.3.
Variant type: single nucleotide variant.
Coding change: c.4268T>G on transcript NM_001165963.4 (MANE Select); coding-DNA position 4268, T replaced by G.
Protein change: p.Leu1423Arg; replaces leucine 1423 with arginine.
Molecular consequence: missense variant. On other transcripts: non-coding transcript variant (1).
Genome position (GRCh38, 1-based): chr2:166,002,488, A>C on the plus strand (T>G on the coding strand, the complement: SCN1A is on the minus strand). VCF-style: chr2-166002488-A-C. GRCh37 (hg19) VCF-style: chr2-166858998-A-C.
Other names: c.4235T>G, p.Leu1412Arg (NM_006920.6, NM_001353949.2, NM_001353950.2 and 2 more transcripts); c.4184T>G, p.Leu1395Arg (NM_001165964.3, NM_001353957.2, NM_001353958.2); c.4268T>G, p.Leu1423Arg (NM_001202435.3, NM_001353948.2); c.4232T>G, p.Leu1411Arg (NM_001353954.2, NM_001353955.2); c.4181T>G, p.Leu1394Arg (NM_001353960.2); c.1826T>G, p.Leu609Arg (NM_001353961.2); short protein forms L1394R, L1395R, L1411R, L1412R, L1423R, L609R.
Identifiers: ClinVar variation 2627923 (VCV002627923.1), dbSNP rs2468433533, ClinGen allele CA349049892.